The following is an entry in ClinVar:

NM_004333.6(BRAF):c.558G>A (p.Met186Ile)

Gene: BRAF (B-Raf proto-oncogene, serine/threonine kinase; minus strand). Cytogenetic location: 7q34.
Variant type: single nucleotide variant.
Coding change: c.558G>A on transcript NM_004333.6 (MANE Select); coding-DNA position 558, G replaced by A.
Protein change: p.Met186Ile; replaces methionine 186 with isoleucine.
Molecular consequence: missense variant.
Genome position (GRCh38, 1-based): chr7:140,808,942, C>T on the plus strand (G>A on the coding strand, the complement: BRAF is on the minus strand). VCF-style: chr7-140808942-C-T. GRCh37 (hg19) VCF-style: chr7-140508742-C-T.
Other names: c.558G>A, p.Met186Ile (NM_001354609.2, NM_001374244.1, NM_001374258.1 and 5 more transcripts); c.456G>A, p.Met152Ile (NM_001378470.1); c.402G>A, p.Met134Ile (NM_001378472.1, NM_001378473.1); c.294G>A, p.Met98Ile (NM_001378475.1); short protein forms M134I, M152I, M186I, M98I.
Identifiers: ClinVar variation 1411217 (VCV001411217.8), dbSNP rs2129048397, ClinGen allele CA369591680.

ClinVar aggregate classification (germline): Uncertain significance (1 of 4 stars; one submission).

Conditions:
RASopathy. Also called: rasopathies; Noonan spectrum disorder. Identifiers: Orphanet 536391, MedGen C5555857, MONDO:0021060.

Submission:

Labcorp Genetics (formerly Invitae), Labcorp
Classification: Uncertain significance for RASopathy. Last evaluated: 2021-02-21. Review status: criteria provided, single submitter. Criteria: Invitae Variant Classification Sherloc (09022015). Collection method: clinical testing. Allele origin: germline.
Comment: This sequence change replaces methionine with isoleucine at codon 186 of the BRAF protein (p.Met186Ile). The methionine residue is moderately conserved and there is a small physicochemical difference between methionine and isoleucine. In summary, the available evidence is currently insufficient to determine the role of this variant in disease. Therefore, it has been classified as a Variant of Uncertain Significance. Algorithms developed to predict the effect of missense changes on protein structure and function (SIFT, PolyPhen-2, Align-GVGD) all suggest that this variant is likely to be tolerated, but these predictions have not been confirmed by published functional studies and their clinical significance is uncertain. This variant has not been reported in the literature in individuals with BRAF-related conditions. This variant is not present in population databases (ExAC no frequency).